The following is an entry in ClinVar:

NM_000535.7(PMS2):c.715C>T (p.Leu239Phe)

Gene: PMS2 (PMS1 homolog 2, mismatch repair system component; minus strand). Cytogenetic location: 7p22.1.
Variant type: single nucleotide variant.
Coding change: c.715C>T on transcript NM_000535.7 (MANE Select); coding-DNA position 715, C replaced by T.
Protein change: p.Leu239Phe; replaces leucine 239 with phenylalanine.
Molecular consequence: missense variant. On other transcripts: 5 prime UTR variant (2), non-coding transcript variant (1).
Genome position (GRCh38, 1-based): chr7:5,997,414, G>A on the plus strand (C>T on the coding strand, the complement: PMS2 is on the minus strand). VCF-style: chr7-5997414-G-A. GRCh37 (hg19) VCF-style: chr7-6037045-G-A.
Other names: c.310C>T, p.Leu104Phe (NM_001322003.2, NM_001322004.2, NM_001322005.2 and 2 more transcripts); c.715C>T, p.Leu239Phe (NM_001322006.2, NM_001322014.2); c.397C>T, p.Leu133Phe (NM_001322007.2, NM_001322008.2); c.-219C>T (NM_001322011.2, NM_001322012.2); c.142C>T, p.Leu48Phe (NM_001322013.2); c.406C>T, p.Leu136Phe (NM_001322015.2); short protein forms L239F, L133F, L48F, L104F, L136F.
Identifiers: ClinVar variation 525630 (VCV000525630.11), dbSNP rs1554301543, ClinGen allele CA366743778.

ClinVar aggregate classification (germline): Uncertain significance. Review status: criteria provided, multiple submitters, no conflicts (2 of 4 stars). 3 submissions from 3 submitters: Uncertain significance (3). Last evaluated 2026-01-26.

Conditions:
Hereditary nonpolyposis colorectal neoplasms. Identifiers: MedGen C0009405, MeSH D003123.
Hereditary cancer-predisposing syndrome. Also called: Tumor predisposition; Hereditary Cancer Syndrome; Neoplastic Syndromes, Hereditary; Hereditary neoplastic syndrome. Identifiers: Orphanet 140162, MedGen C0027672, MeSH D009386, MONDO:0015356.
Mismatch repair cancer syndrome 1 (MMRCS1). Also called: BRAIN TUMOR-POLYPOSIS SYNDROME 1; BTP1 SYNDROME; CHILDHOOD CANCER SYNDROME; MISMATCH REPAIR DEFICIENCY; MMR DEFICIENCY. Identifiers: Orphanet 252202, MedGen C5399763, MONDO:0010159, OMIM 276300. Disease mechanism: loss of function.
Lynch syndrome 4 (LYNCH4). Also called: Colorectal cancer, hereditary nonpolyposis, type 4; Hereditary non-polyposis colorectal cancer, type 4. Identifiers: Orphanet 144, MedGen C1838333, MONDO:0013699, OMIM 614337. Disease mechanism: loss of function.

Submissions (3):

Ambry Genetics
Classification: Uncertain significance for Hereditary cancer-predisposing syndrome. Last evaluated: 2026-01-26. Review status: criteria provided, single submitter. Criteria: Ambry Variant Classification Scheme 2023. Collection method: clinical testing. Allele origin: germline.
Comment: The p.L239F variant (also known as c.715C>T), located in coding exon 7 of the PMS2 gene, results from a C to T substitution at nucleotide position 715. The leucine at codon 239 is replaced by phenylalanine, an amino acid with highly similar properties. This amino acid position is highly conserved in available vertebrate species. In addition, this alteration is predicted to be deleterious by in silico analysis. Based on the available evidence, the clinical significance of this variant remains unclear.

Labcorp Genetics (formerly Invitae), Labcorp
Classification: Uncertain significance for Hereditary nonpolyposis colorectal neoplasms. Last evaluated: 2023-08-07. Review status: criteria provided, single submitter. Criteria: Invitae Variant Classification Sherloc (09022015). Collection method: clinical testing. Allele origin: germline.
Comment: ClinVar contains an entry for this variant (Variation ID: 525630). Advanced modeling of protein sequence and biophysical properties (such as structural, functional, and spatial information, amino acid conservation, physicochemical variation, residue mobility, and thermodynamic stability) performed at Invitae indicates that this missense variant is expected to disrupt PMS2 protein function. In summary, the available evidence is currently insufficient to determine the role of this variant in disease. Therefore, it has been classified as a Variant of Uncertain Significance. This variant has not been reported in the literature in individuals affected with PMS2-related conditions. This sequence change replaces leucine, which is neutral and non-polar, with phenylalanine, which is neutral and non-polar, at codon 239 of the PMS2 protein (p.Leu239Phe). This variant is not present in population databases (gnomAD no frequency).

Fulgent Genetics
Classification: Uncertain significance for Mismatch repair cancer syndrome 1; Lynch syndrome 4. Last evaluated: 2018-10-31. Review status: criteria provided, single submitter. Criteria: ACMG Guidelines, 2015. Collection method: clinical testing. Allele origin: unknown.